The following is an entry in ClinVar:

NM_000268.4(NF2):c.1472T>C (p.Leu491Ser)

Gene: NF2 (NF2, moesin-ezrin-radixin like (MERLIN) tumor suppressor; plus strand). Cytogenetic location: 22q12.2.
Variant type: single nucleotide variant.
Coding change: c.1472T>C on transcript NM_000268.4 (MANE Select); coding-DNA position 1472, T replaced by C.
Protein change: p.Leu491Ser; replaces leucine 491 with serine.
Molecular consequence: missense variant. On other transcripts: non-coding transcript variant (1), intron variant (1).
Genome position (GRCh38, 1-based): chr22:29,678,221, T>C. VCF-style: chr22-29678221-T-C. GRCh37 (hg19) VCF-style: chr22-30074210-T-C.
Other names: c.1358T>C, p.Leu453Ser (NM_001407053.1, NM_001407056.1); c.1349T>C, p.Leu450Ser (NM_001407054.1, NM_001407058.1, NM_181829.3); c.1346T>C, p.Leu449Ser (NM_001407055.1, NM_181828.3); c.1337T>C, p.Leu446Ser (NM_001407057.1, NM_001407059.1); c.1472T>C, p.Leu491Ser (NM_001407060.1, NM_001407066.1, NM_016418.5 and 2 more transcripts); c.1214T>C, p.Leu405Ser (NM_001407062.1); c.1223T>C, p.Leu408Ser (NM_001407063.1, NM_001407064.1, NM_181830.3 and 1 more transcripts); c.938T>C, p.Leu313Ser (NM_001407065.1); and 2 more; short protein forms L405S, L446S, L449S, L453S, L491S, L313S, L408S, L414S.
Identifiers: ClinVar variation 2568046 (VCV002568046.2), dbSNP rs2518711899, ClinGen allele CA411149585.

ClinVar aggregate classification (germline): Uncertain significance (1 of 4 stars; one submission).

Conditions:
Hereditary cancer-predisposing syndrome. Also called: Hereditary neoplastic syndrome; Hereditary Cancer Syndrome; Neoplastic Syndromes, Hereditary; Tumor predisposition. Identifiers: Orphanet 140162, MedGen C0027672, MeSH D009386, MONDO:0015356.

Submission:

Ambry Genetics
Classification: Uncertain significance for Hereditary cancer-predisposing syndrome. Last evaluated: 2023-04-11. Review status: criteria provided, single submitter. Criteria: Ambry Variant Classification Scheme 2023. Collection method: clinical testing. Allele origin: germline.
Comment: The p.L491S variant (also known as c.1472T>C), located in coding exon 14 of the NF2 gene, results from a T to C substitution at nucleotide position 1472. The leucine at codon 491 is replaced by serine, an amino acid with dissimilar properties. This amino acid position is conserved. In addition, this alteration is predicted to be tolerated by in silico analysis. Since supporting evidence is limited at this time, the clinical significance of this alteration remains unclear.